The following is an entry in ClinVar:

NM_001171.6(ABCC6):c.3978C>T (p.Asp1326=)

Gene: ABCC6 (ATP binding cassette subfamily C member 6; minus strand). Cytogenetic location: 16p13.11.
Variant type: single nucleotide variant.
Coding change: c.3978C>T on transcript NM_001171.6 (MANE Select); coding-DNA position 3978, C replaced by T.
Protein change: p.Asp1326=; no amino-acid change (aspartic acid 1326 retained).
Molecular consequence: synonymous variant. On other transcripts: non-coding transcript variant (1).
Genome position (GRCh38, 1-based): chr16:16,154,936, G>A on the plus strand (C>T on the coding strand, the complement: ABCC6 is on the minus strand). VCF-style: chr16-16154936-G-A. GRCh37 (hg19) VCF-style: chr16-16248793-G-A.
Other names: c.3636C>T, p.Asp1212= (NM_001351800.1).
Identifiers: ClinVar variation 433340 (VCV000433340.45), dbSNP rs57499803, ClinGen allele CA7925363.

ClinVar aggregate classification (germline): Benign/Likely benign. Review status: criteria provided, multiple submitters, no conflicts (2 of 4 stars). 6 submissions from 6 submitters: Benign (1); Likely benign (4). 1 of the submissions does not count toward it. Last evaluated 2026-05-06.

Conditions:
ABCC6-related disorder. Also called: ABCC6-related condition.
Inborn genetic diseases. Identifiers: MedGen C0950123, MeSH D030342.
Autosomal recessive inherited pseudoxanthoma elasticum (PXE). Identifiers: Orphanet 758, MedGen CN032334, MONDO:0009925, OMIM 264800.

Allele frequency attached by ClinVar (database versions not stated): ExAC 0.00037; 1000 Genomes Project 0.00040; 1000 Genomes Project 30x 0.00047; gnomAD 0.00064 and 0.00067; ESP Exome Variant Server 0.00077; TOPMed 0.00078.
gnomAD v4.1: 342 of 1,600,416 alleles (0.021%); highest among the groups gnomAD compares: African/African-American, 0.21%; 1 homozygote.

Submissions (6):

PreventionGenetics, part of Exact Sciences
Classification: Likely benign for ABCC6-related condition. Last evaluated: 2026-05-06. Review status: criteria provided, single submitter. Criteria: ACMG Guidelines, 2015. Collection method: clinical testing. Allele origin: germline.
Comment: This variant is classified as likely benign based on ACMG/AMP sequence variant interpretation guidelines (Richards et al. 2015 PMID: 25741868, with internal and published modifications).

Labcorp Genetics (formerly Invitae), Labcorp
Classification: Benign. Last evaluated: 2026-01-26. Review status: criteria provided, single submitter. Criteria: Invitae Variant Classification Sherloc (09022015). Collection method: clinical testing. Allele origin: germline.

Blueprint Genetics
Classification: Likely benign. Last evaluated: 2024-11-12. Review status: criteria provided, single submitter. Criteria: ACMG Guidelines, 2015. Collection method: clinical testing. Allele origin: germline.

Ambry Genetics
Classification: Likely benign for Inborn genetic diseases. Last evaluated: 2023-12-08. Review status: criteria provided, single submitter. Criteria: Ambry Variant Classification Scheme 2023. Collection method: clinical testing. Allele origin: germline.

CeGaT Center for Human Genetics Tuebingen
Classification: Likely benign. Last evaluated: 2022-12-01. Review status: criteria provided, single submitter. Criteria: CeGaT Center For Human Genetics Tuebingen Variant Classification Criteria Version 2. Collection method: clinical testing. Allele origin: germline. Affected: yes. Observed: 1 variant allele.
Comment: ABCC6: BP4, BP7

PXE International
Classification: Uncertain significance for Autosomal recessive inherited pseudoxanthoma elasticum. Last evaluated: 2021-03-01. Review status: no assertion criteria provided. Collection method: research. Allele origin: germline. Inheritance: Autosomal recessive inheritance. Affected: yes. Not counted in ClinVar's aggregate classification.